The following is an entry in ClinVar:

NM_004738.5(VAPB):c.364G>A (p.Val122Met)

Gene: VAPB (VAMP associated protein B and C; plus strand). Cytogenetic location: 20q13.32.
Variant type: single nucleotide variant.
Coding change: c.364G>A on transcript NM_004738.5 (MANE Select); coding-DNA position 364, G replaced by A.
Protein change: p.Val122Met; replaces valine 122 with methionine.
Molecular consequence: missense variant. On other transcripts: intron variant (1).
Genome position (GRCh38, 1-based): chr20:58,438,993, G>A. VCF-style: chr20-58438993-G-A. GRCh37 (hg19) VCF-style: chr20-57014049-G-A.
Other names: c.212-5084G>A (NM_001195677.2); short protein forms V122M.
Identifiers: ClinVar variation 3067461 (VCV003067461.21), dbSNP rs1315548059, ClinGen allele CA409439408.

ClinVar aggregate classification (germline): Uncertain significance (1 of 4 stars; one submission).

Allele frequency attached by ClinVar (database versions not stated): gnomAD exomes below 0.00001; TOPMed 0.00001.
gnomAD v4.1: 1 of 1,613,930 alleles (0.000062%); highest among the groups gnomAD compares: Non-Finnish European, 0.000085%; no homozygotes.

Submission:

CeGaT Center for Human Genetics Tuebingen
Classification: Uncertain significance. Last evaluated: 2024-03-01. Review status: criteria provided, single submitter. Criteria: CeGaT Center For Human Genetics Tuebingen Variant Classification Criteria Version 2. Collection method: clinical testing. Allele origin: germline. Affected: yes. Observed: 1 variant allele.
Comment: VAPB: PM2